The following is an entry in ClinVar:

NM_000452.3(SLC10A2):c.557G>A (p.Trp186Ter)

Gene: SLC10A2 (solute carrier family 10 member 2; minus strand). Cytogenetic location: 13q33.1.
Variant type: single nucleotide variant.
Coding change: c.557G>A on transcript NM_000452.3 (MANE Select); coding-DNA position 557, G replaced by A.
Protein change: p.Trp186Ter; replaces tryptophan 186 with a stop codon.
Molecular consequence: nonsense.
Genome position (GRCh38, 1-based): chr13:103,052,648, C>T on the plus strand (G>A on the coding strand, the complement: SLC10A2 is on the minus strand). VCF-style: chr13-103052648-C-T. GRCh37 (hg19) VCF-style: chr13-103704998-C-T.
Other names: short protein forms W186*.
Identifiers: ClinVar variation 2636692 (VCV002636692.4), dbSNP rs867693048, ClinGen allele CA7042160.

ClinVar aggregate classification (germline): Uncertain significance. Review status: criteria provided, multiple submitters, no conflicts (2 of 4 stars). 2 submissions from 2 submitters: Uncertain significance (2). Last evaluated 2025-11-10.

Conditions:
SLC10A2-related disorder. Also called: SLC10A2-related condition.

Allele frequency attached by ClinVar (database versions not stated): gnomAD 0.00003; TOPMed 0.00004; gnomAD exomes 0.00001; ExAC 0.00008.
gnomAD v4.1: 22 of 1,611,430 alleles (0.0014%); highest among the groups gnomAD compares: Admixed American, 0.035%; no homozygotes.

Submissions (2):

Labcorp Genetics (formerly Invitae), Labcorp
Classification: Uncertain significance. Last evaluated: 2025-11-10. Review status: criteria provided, single submitter. Criteria: Invitae Variant Classification Sherloc (09022015). Collection method: clinical testing. Allele origin: germline.
Comment: This sequence change creates a premature translational stop signal (p.Trp186*) in the SLC10A2 gene. It is expected to result in an absent or disrupted protein product. However, the current clinical and genetic evidence is not sufficient to establish whether loss-of-function variants in SLC10A2 cause disease. This variant is present in population databases (no rsID available, gnomAD 0.05%). This variant has not been reported in the literature in individuals affected with SLC10A2-related conditions. ClinVar contains an entry for this variant (Variation ID: 2636692). Algorithms developed to predict the effect of sequence changes on RNA splicing suggest that this variant may disrupt the consensus splice site. In summary, the available evidence is currently insufficient to determine the role of this variant in disease. Therefore, it has been classified as a Variant of Uncertain Significance.

PreventionGenetics, part of Exact Sciences
Classification: Uncertain significance for SLC10A2-related condition. Last evaluated: 2022-11-03. Review status: criteria provided, single submitter. Criteria: ACMG Guidelines, 2015. Collection method: clinical testing. Allele origin: germline.
Comment: The SLC10A2 c.557G>A variant is predicted to result in premature protein termination (p.Trp186*). To our knowledge, this variant has not been reported in the literature. This variant is reported in 0.046% of alleles in individuals of Latino descent in gnomAD. Loss of function is not a conclusively established mechanism for SLC10A2-related disease; and, only a few protein truncating and one splice variant have been reported to date (Human Gene Mutation Database). Although we suspect that this variant may be pathogenic, at this time, the clinical significance of this variant is uncertain due to the absence of conclusive functional and genetic evidence.